The following is an entry in ClinVar:

ClinVar aggregate classification (germline): Uncertain significance. Review status: criteria provided, multiple submitters, no conflicts (2 of 4 stars). 2 submissions from 2 submitters: Uncertain significance (2). Last evaluated 2026-08-06.

Conditions:
Hereditary spastic paraplegia 4. Also called: Spastic paraplegia 4, autosomal dominant; Spastic Paraplegia 4; Familial spastic paraplegia autosomal dominant 2. Identifiers: Orphanet 100985, MedGen C1866855, MONDO:0008438, OMIM 182601.

Allele frequency attached by ClinVar (database versions not stated): TOPMed below 0.00001.

Submissions (2):

OLLIN Analises Genomicas, OLLIN
Classification: Uncertain significance for Hereditary spastic paraplegia 4. Last evaluated: 2026-08-06. Review status: criteria provided, single submitter. Criteria: ACMG Guidelines 2015 PMID 25741868. Collection method: clinical testing. Allele origin: germline. Inheritance: Autosomal dominant inheritance.
Comment: This missense variant, located in exon 6 (of 17), is absent from gnomAD and has not been identified in the literature. However, it has been reported in ClinVar (accession VCV001987416.4). In silico analysis predicts that this variant has a tolerated effect. According to the currently available evidence, this variant has been classified as uncertain significance (PM2_P, BP4_M).

Labcorp Genetics (formerly Invitae), Labcorp
Classification: Uncertain significance for Hereditary spastic paraplegia 4. Last evaluated: 2024-04-10. Review status: criteria provided, single submitter. Criteria: Invitae Variant Classification Sherloc (09022015). Collection method: clinical testing. Allele origin: germline.
Comment: This sequence change replaces glycine, which is neutral and non-polar, with valine, which is neutral and non-polar, at codon 291 of the SPAST protein (p.Gly291Val). This variant is not present in population databases (gnomAD no frequency). This variant has not been reported in the literature in individuals affected with SPAST-related conditions. ClinVar contains an entry for this variant (Variation ID: 1987416). An algorithm developed to predict the effect of missense changes on protein structure and function (PolyPhen-2) suggests that this variant is likely to be tolerated. In summary, the available evidence is currently insufficient to determine the role of this variant in disease. Therefore, it has been classified as a Variant of Uncertain Significance.

NM_014946.4(SPAST):c.872G>T (p.Gly291Val)

Gene: SPAST (spastin; plus strand). Cytogenetic location: 2p22.3.
Variant type: single nucleotide variant.
Coding change: c.872G>T on transcript NM_014946.4 (MANE Select); coding-DNA position 872, G replaced by T.
Protein change: p.Gly291Val; replaces glycine 291 with valine.
Molecular consequence: missense variant.
Genome position (GRCh38, 1-based): chr2:32,115,703, G>T. VCF-style: chr2-32115703-G-T. GRCh37 (hg19) VCF-style: chr2-32340772-G-T.
Other names: c.869G>T, p.Gly290Val (NM_001363823.2); c.773G>T, p.Gly258Val (NM_001363875.2); c.776G>T, p.Gly259Val (NM_001377959.1, NM_199436.2); short protein forms G290V, G259V, G291V, G258V.
Identifiers: ClinVar variation 1987416 (VCV001987416.5), dbSNP rs938908251, ClinGen allele CA44735861.